The following is an entry in ClinVar:

NM_025103.4(IFT74):c.32G>A (p.Arg11His)

Gene: IFT74 (intraflagellar transport 74; plus strand). Cytogenetic location: 9p21.2.
Variant type: single nucleotide variant.
Coding change: c.32G>A on transcript NM_025103.4 (MANE Select); coding-DNA position 32, G replaced by A.
Protein change: p.Arg11His; replaces arginine 11 with histidine.
Molecular consequence: missense variant.
Genome position (GRCh38, 1-based): chr9:26,961,999, G>A. VCF-style: chr9-26961999-G-A. GRCh37 (hg19) VCF-style: chr9-26961997-G-A.
Other names: c.32G>A, p.Arg11His (NM_001099222.3, NM_001099223.3, NM_001099224.3 and 1 more transcripts); short protein forms R11H.
Identifiers: ClinVar variation 4987460 (VCV004987460.1).

ClinVar aggregate classification (germline): Uncertain significance (1 of 4 stars; one submission).

Conditions:
IFT74-related disorder. Also called: IFT74-related condition; IFT74-Related Disorders.

Submission:

PreventionGenetics, part of Exact Sciences
Classification: Uncertain significance for IFT74-related condition. Last evaluated: 2025-05-02. Review status: criteria provided, single submitter. Criteria: ACMG Guidelines, 2015. Collection method: clinical testing. Allele origin: germline.
Comment: The IFT74 c.32G>A variant is predicted to result in the amino acid substitution p.Arg11His. To our knowledge, this variant has not been reported in the literature. This variant is reported in 0.017% of alleles in individuals of East Asian descent in gnomAD. At this time, the clinical significance of this variant is uncertain due to the absence of conclusive functional and genetic evidence.